The following is an entry in ClinVar:

NM_001267550.2(TTN):c.20228A>G (p.Gln6743Arg)

Genes: TTN (titin; minus strand), LOC126806429 (BRD4-independent group 4 enhancer GRCh37_chr2:179591393-179592592; plus strand). Cytogenetic location: 2q31.2.
Variant type: single nucleotide variant.
Coding change: c.20228A>G on transcript NM_001267550.2 (MANE Select); coding-DNA position 20228, A replaced by G.
Protein change: p.Gln6743Arg; replaces glutamine 6743 with arginine.
Molecular consequence: missense variant. On other transcripts: intron variant (3).
Genome position (GRCh38, 1-based): chr2:178,727,137, T>C on the plus strand (A>G on the coding strand, the complement: TTN is on the minus strand). VCF-style: chr2-178727137-T-C. GRCh37 (hg19) VCF-style: chr2-179591864-T-C.
Other names: p.Q6426R:CAG>CGG; c.19277A>G, p.Gln6426Arg (NM_001256850.1); c.16496A>G, p.Gln5499Arg (NM_133378.4); c.13282+10945A>G (NM_003319.4); c.13858+10945A>G (NM_133437.4); c.13657+10945A>G (NM_133432.3); short protein forms Q6426R, Q6743R, Q5499R.
Identifiers: ClinVar variation 203286 (VCV000203286.2), dbSNP rs794729620, ClinGen allele CA311922.
Genomic context (GRCh38, chr2:178,727,137, plus strand): 5'-ACAAGATGTCTACCTTTTACTATAACCTTGGTACTGCAGCTTGTGCTGCCAGCGGGATTC[T>C]GAGCCTCACAAATGAAATCTCCACTGTCCTCAGTACTGAGATTGTTCATCTGTATGACGG-3'
Protein context (NP_001254479.2, residues 6733-6753): EDSGDFICEA[Gln6743Arg]NPAGSTSCST

ClinVar aggregate classification (germline): Uncertain significance (1 of 4 stars; one submission).

Allele frequency attached by ClinVar (database versions not stated): gnomAD exomes below 0.00001; TOPMed below 0.00001.
gnomAD v4.1: 2 of 1,603,286 alleles (0.00012%); highest among the groups gnomAD compares: Non-Finnish European, 0.00017%; no homozygotes.

Submission:

GeneDx
Classification: Uncertain significance. Last evaluated: 2013-02-06. Review status: criteria provided, single submitter. Criteria: GeneDx Variant Classification (06012015). Collection method: clinical testing. Allele origin: germline. Affected: yes.
Comment: Missense variants in the TTN gene are considered 'unclassified' if they are not previously reported in the literature and do not have >1% frequency in the population to be considered a polymorphism. Research indicates that truncating mutations in the TTN gene are expected to account for approximately 25% of familial and 18% of sporadic idiopathic DCM; however, truncating variants in the TTN gene have been reported in approximately 3% of reported control alleles. There has been little investigation into non-truncating variants. (Herman D et al. Truncations of titin causing dilated cardiomyopathy. N Eng J Med 366:619-628, 2012) The variant is found in DCM panel(s).